The following is an entry in ClinVar:

ClinVar aggregate classification (germline): Uncertain significance. Review status: criteria provided, multiple submitters, no conflicts (2 of 4 stars). 2 submissions from 2 submitters: Uncertain significance (2). Last evaluated 2025-06-04.

Conditions:
Frasier syndrome. Identifiers: Orphanet 347, MedGen C0950122, MeSH D052159, MONDO:0007635, OMIM 136680.
Drash syndrome (DDS). Also called: NEPHROPATHY, WILMS TUMOR, AND GENITAL ANOMALIES; WILMS TUMOR AND PSEUDO- OR TRUE HERMAPHRODITISM. Identifiers: Orphanet 220, MedGen C0950121, MONDO:0008682, OMIM 194080.
Wilms tumor 1 (WT1). Also called: Wilms tumor, somatic. Identifiers: Orphanet 654, MedGen CN033288, MONDO:0008679, OMIM 194070.
11p partial monosomy syndrome (WAGR). Also called: WAGR Spectrum Disorder; CHROMOSOME 11p13 DELETION SYNDROME; WAGR syndrome; WAGR Complex. Identifiers: Orphanet 893, MedGen C0206115, MONDO:0008681, OMIM 194072.

Submissions (2):

Dasa
Classification: Uncertain significance. Last evaluated: 2025-06-04. Review status: criteria provided, single submitter. Criteria: DASA Assertion Criteria. Collection method: clinical testing. Allele origin: germline.
Comment: NM_024426.6(WT1):c.299C>G (p.Pro100Arg) is a missense variant that results in the substitution of proline with arginine. This variant is absent from population databases. The currently available literature and clinical evidence are not sufficient to establish a definitive association between this variant and the reported condition. Therefore, this variant is classified as a variant of uncertain significance.

Labcorp Genetics (formerly Invitae), Labcorp
Classification: Uncertain significance for Wilms tumor 1; Drash syndrome; 11p partial monosomy syndrome; Frasier syndrome. Last evaluated: 2022-06-14. Review status: criteria provided, single submitter. Criteria: Invitae Variant Classification Sherloc (09022015). Collection method: clinical testing. Allele origin: germline.
Comment: In summary, the available evidence is currently insufficient to determine the role of this variant in disease. Therefore, it has been classified as a Variant of Uncertain Significance. This sequence change replaces proline, which is neutral and non-polar, with arginine, which is basic and polar, at codon 95 of the WT1 protein (p.Pro95Arg). This variant is not present in population databases (gnomAD no frequency). This variant has not been reported in the literature in individuals affected with WT1-related conditions. Algorithms developed to predict the effect of missense changes on protein structure and function are either unavailable or do not agree on the potential impact of this missense change (SIFT: "Deleterious"; PolyPhen-2: "Probably Damaging"; Align-GVGD: "Class C0").

NM_024426.6(WT1):c.299C>G (p.Pro100Arg)

Genes: WT1 (WT1 transcription factor; minus strand), LOC107982234 (WT1/WT1-AS bi-directional promoter region; plus strand). Cytogenetic location: 11p13.
Variant type: single nucleotide variant.
Coding change: c.299C>G on transcript NM_024426.6 (MANE Select); coding-DNA position 299, C replaced by G.
Protein change: p.Pro100Arg; replaces proline 100 with arginine.
Molecular consequence: missense variant. On other transcripts: non-coding transcript variant (1).
Genome position (GRCh38, 1-based): chr11:32,435,062, G>C on the plus strand (C>G on the coding strand, the complement: WT1 is on the minus strand). VCF-style: chr11-32435062-G-C. GRCh37 (hg19) VCF-style: chr11-32456608-G-C.
Other names: c.299C>G, p.Pro100Arg (NM_000378.6, NM_001407044.1, NM_001407045.1 and 6 more transcripts); c.284C>G, p.Pro95Arg (NM_024425.2); short protein forms P100R, P95R.
Identifiers: ClinVar variation 1999864 (VCV001999864.6), dbSNP rs2494483941, ClinGen allele CA379965977.